The following is an entry in ClinVar:

ClinVar aggregate classification (germline): Uncertain significance (1 of 4 stars; one submission).

Conditions:
Inborn genetic diseases. Identifiers: MedGen C0950123, MeSH D030342.

Submission:

Ambry Genetics
Classification: Uncertain significance for Inborn genetic diseases. Last evaluated: 2025-01-18. Review status: criteria provided, single submitter. Criteria: Ambry Variant Classification Scheme 2023. Collection method: clinical testing. Allele origin: germline.
Comment: The p.G72R variant (also known as c.214G>C), located in coding exon 2 of the HAX1 gene, results from a G to C substitution at nucleotide position 214. The glycine at codon 72 is replaced by arginine, an amino acid with dissimilar properties. This amino acid position is conserved. In addition, the in silico prediction for this alteration is inconclusive. Based on the available evidence, the clinical significance of this variant remains unclear.

NM_006118.4(HAX1):c.214G>C (p.Gly72Arg)

Gene: HAX1 (HCLS1 associated protein X-1; plus strand). Cytogenetic location: 1q21.3.
Variant type: single nucleotide variant.
Coding change: c.214G>C on transcript NM_006118.4 (MANE Select); coding-DNA position 214, G replaced by C.
Protein change: p.Gly72Arg; replaces glycine 72 with arginine.
Molecular consequence: missense variant.
Genome position (GRCh38, 1-based): chr1:154,273,496, G>C. VCF-style: chr1-154273496-G-C. GRCh37 (hg19) VCF-style: chr1-154245972-G-C.
Other names: c.70G>C, p.Gly24Arg (NM_001018837.2); short protein forms G24R, G72R.
Identifiers: ClinVar variation 3856876 (VCV003856876.1).